The following is an entry in ClinVar:

NM_003835.4(RGS9):c.2021T>C (p.Leu674Pro)

Gene: RGS9 (regulator of G protein signaling 9; plus strand). Cytogenetic location: 17q24.1.
Variant type: single nucleotide variant.
Coding change: c.2021T>C on transcript NM_003835.4 (MANE Select); coding-DNA position 2021, T replaced by C.
Protein change: p.Leu674Pro; replaces leucine 674 with proline.
Molecular consequence: missense variant.
Genome position (GRCh38, 1-based): chr17:65,227,403, T>C. VCF-style: chr17-65227403-T-C. GRCh37 (hg19) VCF-style: chr17-63223521-T-C.
Other names: c.2012T>C, p.Leu671Pro (NM_001081955.3); short protein forms L674P, L671P.
Identifiers: ClinVar variation 940417 (VCV000940417.12), dbSNP rs373896877, ClinGen allele CA8718230.
Genomic context (GRCh38, chr17:65,227,403, plus strand): 5'-GAACAGGAGAGTCGGGTGACCGGGCCACAGAAAAGGAGGTCATCTGCCCCTGGGAGAGCC[T>C]GTAAGGAAAGAGGCAGGCTGAGCTGGGGGCTCTGGACCAGGAAGATGCTCTGACAGATGC-3'
Protein context (NP_003826.2, residues 664-674): EKEVICPWES[Leu674Pro]

ClinVar aggregate classification (germline): Uncertain significance. Review status: criteria provided, multiple submitters, no conflicts (2 of 4 stars). 2 submissions from 2 submitters: Uncertain significance (2). Last evaluated 2025-09-01.

Conditions:
Inborn genetic diseases. Identifiers: MedGen C0950123, MeSH D030342.

Allele frequency attached by ClinVar (database versions not stated): gnomAD exomes 0.00002 and 0.00009; ExAC 0.00003; TOPMed 0.00003; gnomAD 0.00007 and 0.00008; ESP Exome Variant Server 0.00016.
gnomAD v4.1: 141 of 1,613,108 alleles (0.0087%); highest among the groups gnomAD compares: Non-Finnish European, 0.012%; no homozygotes.

Submissions (2):

Ambry Genetics
Classification: Uncertain significance for Inborn genetic diseases. Last evaluated: 2025-09-01. Review status: criteria provided, single submitter. Criteria: Ambry Variant Classification Scheme 2023. Collection method: clinical testing. Allele origin: germline.

Labcorp Genetics (formerly Invitae), Labcorp
Classification: Uncertain significance. Last evaluated: 2022-08-22. Review status: criteria provided, single submitter. Criteria: Invitae Variant Classification Sherloc (09022015). Collection method: clinical testing. Allele origin: germline.
Comment: In summary, the available evidence is currently insufficient to determine the role of this variant in disease. Therefore, it has been classified as a Variant of Uncertain Significance. Algorithms developed to predict the effect of missense changes on protein structure and function output the following: SIFT: "Tolerated"; PolyPhen-2: "Possibly Damaging"; Align-GVGD: "Class C0". The proline amino acid residue is found in multiple mammalian species, which suggests that this missense change does not adversely affect protein function. ClinVar contains an entry for this variant (Variation ID: 940417). This variant has not been reported in the literature in individuals affected with RGS9-related conditions. This variant is present in population databases (rs373896877, gnomAD 0.006%). This sequence change replaces leucine, which is neutral and non-polar, with proline, which is neutral and non-polar, at codon 674 of the RGS9 protein (p.Leu674Pro).